The following is an entry in ClinVar:

ClinVar aggregate classification (germline): Uncertain significance (1 of 4 stars; one submission).

Conditions:
Autosomal recessive nonsyndromic hearing loss 77. Identifiers: Orphanet 90636, MedGen C2746083, MONDO:0013119, OMIM 613079.

Submission:

Dubai Health Genomic Medicine Center, Dubai Health
Classification: Uncertain significance for Autosomal recessive nonsyndromic hearing loss 77. Last evaluated: 2020-02-23. Review status: criteria provided, single submitter. Criteria: ACMG Guidelines, 2015. Collection method: clinical testing. Allele origin: germline. Affected: yes.
Comment: The p.Asp1238Asn variant in LOXHD1 has not been previously reported in individuals with hearing loss and was absent from large population studies such as the Genome Aggregation Database (gnomAD) and the Greater Middle East (GME) Variome Database. Computational prediction tools and conservation analysis do not suggest an impact to protein function though this information is not predictive enough to rule pathogenicity. In summary more information is needed to determine the clinical significance of this variant.

NM_001384474.1(LOXHD1):c.3712G>A (p.Asp1238Asn)

Gene: LOXHD1 (lipoxygenase homology PLAT domains 1; minus strand). Cytogenetic location: 18q21.1.
Variant type: single nucleotide variant.
Coding change: c.3712G>A on transcript NM_001384474.1 (MANE Select); coding-DNA position 3712, G replaced by A.
Protein change: p.Asp1238Asn; replaces aspartic acid 1238 with asparagine.
Molecular consequence: missense variant.
Genome position (GRCh38, 1-based): chr18:46,542,763, C>T on the plus strand (G>A on the coding strand, the complement: LOXHD1 is on the minus strand). VCF-style: chr18-46542763-C-T. GRCh37 (hg19) VCF-style: chr18-44122726-C-T.
Other names: c.379G>A, p.Asp127Asn (NM_001145472.3); c.91G>A, p.Asp31Asn (NM_001308013.2); c.3712G>A, p.Asp1238Asn (NM_144612.7); short protein forms D1238N, D127N, D31N.
Identifiers: ClinVar variation 1301809 (VCV001301809.2), dbSNP rs2144370861, ClinGen allele CA402377930.